The following is an entry in ClinVar:

ClinVar aggregate classification (germline): Uncertain significance (1 of 4 stars; one submission).

Conditions:
HYPERHOMOCYSTEINEMIA, THROMBOTIC, CBS-RELATED. Identifiers: MedGen C3150344, OMIM 236200.

Allele frequency attached by ClinVar (database versions not stated): ExAC 0.00001.

Submission:

Labcorp Genetics (formerly Invitae), Labcorp
Classification: Uncertain significance for HYPERHOMOCYSTEINEMIA, THROMBOTIC, CBS-RELATED. Last evaluated: 2022-07-29. Review status: criteria provided, single submitter. Criteria: Invitae Variant Classification Sherloc (09022015). Collection method: clinical testing. Allele origin: germline.
Comment: This sequence change replaces serine, which is neutral and polar, with leucine, which is neutral and non-polar, at codon 19 of the CBS protein (p.Ser19Leu). This variant is present in population databases (rs764399291, gnomAD 0.004%). This variant has not been reported in the literature in individuals affected with CBS-related conditions. Algorithms developed to predict the effect of missense changes on protein structure and function output the following: SIFT: "Tolerated"; PolyPhen-2: "Benign"; Align-GVGD: "Class C0". The leucine amino acid residue is found in multiple mammalian species, which suggests that this missense change does not adversely affect protein function. In summary, the available evidence is currently insufficient to determine the role of this variant in disease. Therefore, it has been classified as a Variant of Uncertain Significance.

NM_000071.3(CBS):c.56C>T (p.Ser19Leu)

Gene: CBS (cystathionine beta-synthase; minus strand). Cytogenetic location: 21q22.3.
Variant type: single nucleotide variant.
Coding change: c.56C>T on transcript NM_000071.3 (MANE Select); coding-DNA position 56, C replaced by T.
Protein change: p.Ser19Leu; replaces serine 19 with leucine.
Molecular consequence: missense variant.
Genome position (GRCh38, 1-based): chr21:43,072,138, G>A on the plus strand (C>T on the coding strand, the complement: CBS is on the minus strand). VCF-style: chr21-43072138-G-A. GRCh37 (hg19) VCF-style: chr21-44492248-G-A.
Other names: c.56C>T, p.Ser19Leu (NM_001178008.3, NM_001178009.3, NM_001320298.2); short protein forms S19L.
Identifiers: ClinVar variation 2074948 (VCV002074948.1), dbSNP rs764399291, ClinGen allele CA321104095.